The following is an entry in ClinVar:

NM_000088.4(COL1A1):c.4148A>G (p.Asn1383Ser)

Gene: COL1A1 (collagen type I alpha 1 chain; minus strand). Cytogenetic location: 17q21.33.
Variant type: single nucleotide variant.
Coding change: c.4148A>G on transcript NM_000088.4 (MANE Select); coding-DNA position 4148, A replaced by G.
Protein change: p.Asn1383Ser; replaces asparagine 1383 with serine.
Molecular consequence: missense variant.
Genome position (GRCh38, 1-based): chr17:50,185,878, T>C on the plus strand (A>G on the coding strand, the complement: COL1A1 is on the minus strand). VCF-style: chr17-50185878-T-C. GRCh37 (hg19) VCF-style: chr17-48263239-T-C.
Other names: short protein forms N1383S.
Identifiers: ClinVar variation 526847 (VCV000526847.9), dbSNP rs1555571631, ClinGen allele CA400191894.

ClinVar aggregate classification (germline): Uncertain significance (1 of 4 stars; one submission).

Conditions:
Osteogenesis imperfecta type I (OI1). Also called: Osteogenesis imperfecta type 1; OI, TYPE I; OSTEOGENESIS IMPERFECTA TARDA; OSTEOGENESIS IMPERFECTA WITH BLUE SCLERAE; Lobstein's Disease; Lobstein disease. Identifiers: Orphanet 216796, Orphanet 666, MedGen C0023931, MONDO:0008146, OMIM 166200. Disease mechanism: loss of function.

Submission:

Labcorp Genetics (formerly Invitae), Labcorp
Classification: Uncertain significance for Osteogenesis imperfecta type I. Last evaluated: 2017-08-03. Review status: criteria provided, single submitter. Criteria: Invitae Variant Classification Sherloc (09022015). Collection method: clinical testing. Allele origin: germline.
Comment: This sequence change replaces asparagine with serine at codon 1383 of the COL1A1 protein (p.Asn1383Ser). The asparagine residue is highly conserved and there is a small physicochemical difference between asparagine and serine. This variant is not present in population databases (ExAC no frequency). This variant has not been reported in the literature in individuals with COL1A1-related disease. In summary, the available evidence is currently insufficient to determine the role of this variant in disease. Therefore, it has been classified as a Variant of Uncertain Significance.